The following is an entry in ClinVar:

NM_001379081.2(FREM1):c.6298C>T (p.Arg2100Trp)

Gene: FREM1 (FRAS1 related extracellular matrix 1; minus strand). Cytogenetic location: 9p22.3.
Variant type: single nucleotide variant.
Coding change: c.6298C>T on transcript NM_001379081.2 (MANE Select); coding-DNA position 6298, C replaced by T.
Protein change: p.Arg2100Trp; replaces arginine 2100 with tryptophan.
Molecular consequence: missense variant. On other transcripts: non-coding transcript variant (3).
Genome position (GRCh38, 1-based): chr9:14,740,191, G>A on the plus strand (C>T on the coding strand, the complement: FREM1 is on the minus strand). VCF-style: chr9-14740191-G-A. GRCh37 (hg19) VCF-style: chr9-14740189-G-A.
Other names: c.1906C>T, p.Arg636Trp (NM_001177704.3, NM_001370061.2); c.1640C>T, p.Ala547Val (NM_001370058.2); c.6298C>T, p.Arg2100Trp (NM_144966.7); short protein forms A547V, R2100W, R636W.
Identifiers: ClinVar variation 912640 (VCV000912640.11), dbSNP rs200489692, ClinGen allele CA4989451.

ClinVar aggregate classification (germline): Uncertain significance. Review status: criteria provided, multiple submitters, no conflicts (2 of 4 stars). 4 submissions from 4 submitters: Uncertain significance (4). Last evaluated 2024-09-20.

Conditions:
Oculotrichoanal syndrome (MOTA). Also called: MARLES SYNDROME; Manitoba Oculotrichoanal (MOTA) Syndrome. Identifiers: Orphanet 2717, MedGen C1855425, MONDO:0009560, OMIM 248450.
BNAR syndrome. Also called: Bifid Nose With or Without Anorectal and Renal Anomalies (BNAR) Syndrome. Identifiers: Orphanet 217266, MedGen C2750433, MONDO:0012165, OMIM 608980.
Trigonocephaly 2 (TRIGNO2). Identifiers: Orphanet 3366, MedGen C3280974, MONDO:0013774, OMIM 614485.

Allele frequency attached by ClinVar (database versions not stated): TOPMed 0.00006; 1000 Genomes Project 30x 0.00016; 1000 Genomes Project 0.00020.
gnomAD v4.1: 155 of 1,612,860 alleles (0.0096%); highest among the groups gnomAD compares: South Asian, 0.016%; no homozygotes.

Submissions (4):

Blueprint Genetics
Classification: Uncertain significance. Last evaluated: 2024-09-20. Review status: criteria provided, single submitter. Criteria: ACMG Guidelines, 2015. Collection method: clinical testing. Allele origin: germline.

Fulgent Genetics
Classification: Uncertain significance for Oculotrichoanal syndrome; BNAR syndrome; Trigonocephaly 2. Last evaluated: 2024-06-10. Review status: criteria provided, single submitter. Criteria: ACMG Guidelines, 2015. Collection method: clinical testing. Allele origin: germline.

Labcorp Genetics (formerly Invitae), Labcorp
Classification: Uncertain significance. Last evaluated: 2024-04-15. Review status: criteria provided, single submitter. Criteria: Invitae Variant Classification Sherloc (09022015). Collection method: clinical testing. Allele origin: germline.
Comment: This sequence change replaces arginine, which is basic and polar, with tryptophan, which is neutral and slightly polar, at codon 2100 of the FREM1 protein (p.Arg2100Trp). This variant is present in population databases (rs200489692, gnomAD 0.03%). This variant has not been reported in the literature in individuals affected with FREM1-related conditions. ClinVar contains an entry for this variant (Variation ID: 912640). An algorithm developed to predict the effect of missense changes on protein structure and function (PolyPhen-2) suggests that this variant is likely to be disruptive. In summary, the available evidence is currently insufficient to determine the role of this variant in disease. Therefore, it has been classified as a Variant of Uncertain Significance.

Illumina Laboratory Services, Illumina
Classification: Uncertain significance for Oculotrichoanal syndrome. Last evaluated: 2018-01-13. Review status: criteria provided, single submitter. Criteria: ICSL Variant Classification Criteria 13 December 2019. Collection method: clinical testing. Allele origin: germline.